The following is an entry in ClinVar:

NM_130839.5(UBE3A):c.2333C>T (p.Thr778Ile)

Genes: SNHG14 (small nucleolar RNA host gene 14; plus strand), UBE3A (ubiquitin protein ligase E3A; minus strand). Cytogenetic location: 15q11.2.
Variant type: single nucleotide variant.
Coding change: c.2333C>T on transcript NM_130839.5 (MANE Select); coding-DNA position 2333, C replaced by T.
Protein change: p.Thr778Ile; replaces threonine 778 with isoleucine.
Molecular consequence: missense variant. On other transcripts: non-coding transcript variant (1).
Genome position (GRCh38, 1-based): chr15:25,354,374, G>A on the plus strand (C>T on the coding strand, the complement: UBE3A is on the minus strand). VCF-style: chr15-25354374-G-A. GRCh37 (hg19) VCF-style: chr15-25599521-G-A.
Other names: c.2273C>T, p.Thr758Ile (NM_001354542.2, NM_001354543.2, NM_001354544.2 and 14 more transcripts); c.2177C>T, p.Thr726Ile (NM_001354545.2); c.2156C>T, p.Thr719Ile (NM_001354546.2); c.2117C>T, p.Thr706Ile (NM_001354547.2, NM_001354548.2); c.2108C>T, p.Thr703Ile (NM_001354549.2); c.1082C>T, p.Thr361Ile (NM_001354550.2); c.1022C>T, p.Thr341Ile (NM_001354551.2); c.2342C>T, p.Thr781Ile (NM_000462.5); and 1 more; short protein forms T341I, T361I, T703I, T706I, T719I, T726I, T758I, T778I.
Identifiers: ClinVar variation 4281987 (VCV004281987.1).

ClinVar aggregate classification (germline): Uncertain significance (1 of 4 stars; one submission).

Submission:

GeneDx
Classification: Uncertain significance. Last evaluated: 2025-04-08. Review status: criteria provided, single submitter. Criteria: GeneDx Variant Classification Process June 2021. Collection method: clinical testing. Allele origin: germline. Affected: yes.
Comment: Not observed at significant frequency in large population cohorts (gnomAD); In silico analysis supports that this missense variant has a deleterious effect on protein structure/function; Has not been previously published as pathogenic or benign to our knowledge